The following is an entry in ClinVar:

ClinVar aggregate classification (germline): Likely benign. Review status: criteria provided, multiple submitters, no conflicts (2 of 4 stars). 3 submissions from 3 submitters: Likely benign (3). Last evaluated 2025-09-05.

Conditions:
Age related macular degeneration 1 (ARMD1). Also called: MACULOPATHY, AGE-RELATED, 1. Identifiers: MedGen C1864205, MONDO:0011285, OMIM 603075.

Allele frequency attached by ClinVar (database versions not stated): gnomAD exomes 0.00015; 1000 Genomes Project 30x 0.00016; ExAC 0.00017; 1000 Genomes Project 0.00020; gnomAD 0.00054 and 0.00061; ESP Exome Variant Server 0.00062; TOPMed 0.00068.
gnomAD v4.1: 169 of 1,614,158 alleles (0.01%); highest among the groups gnomAD compares: African/African-American, 0.17%; no homozygotes.

Submissions (3):

Labcorp Genetics (formerly Invitae), Labcorp
Classification: Likely benign. Last evaluated: 2025-09-05. Review status: criteria provided, single submitter. Criteria: Invitae Variant Classification Sherloc (09022015). Collection method: clinical testing. Allele origin: germline.

Genome-Nilou Lab
Classification: Likely benign for Age related macular degeneration 1. Last evaluated: 2023-04-11. Review status: criteria provided, single submitter. Criteria: ACMG Guidelines, 2015. Collection method: clinical testing. Allele origin: germline. Affected: no.

Illumina Laboratory Services, Illumina
Classification: Likely benign for Age related macular degeneration 1. Last evaluated: 2018-01-13. Review status: criteria provided, single submitter. Criteria: ICSL Variant Classification Criteria 13 December 2019. Collection method: clinical testing. Allele origin: germline.
Comment: This variant was observed in the ICSL laboratory as part of a predisposition screen in an ostensibly healthy population. It had not been previously curated by ICSL or reported in the Human Gene Mutation Database (HGMD: prior to June 1st, 2018), and was therefore a candidate for classification through an automated scoring system. Utilizing variant allele frequency, disease prevalence and penetrance estimates, and inheritance mode, an automated score was calculated to assess if this variant is too frequent to cause the disease. Based on the score and internal cut-off values, a variant classified as likely benign is not then subjected to further curation. The score for this variant resulted in a classification of likely benign for this disease.

NM_031935.3(HMCN1):c.11011C>G (p.Leu3671Val)

Gene: HMCN1 (hemicentin 1; plus strand). Cytogenetic location: 1q31.1.
Variant type: single nucleotide variant.
Coding change: c.11011C>G on transcript NM_031935.3 (MANE Select); coding-DNA position 11011, C replaced by G.
Protein change: p.Leu3671Val; replaces leucine 3671 with valine.
Molecular consequence: missense variant.
Genome position (GRCh38, 1-based): chr1:186,112,833, C>G. VCF-style: chr1-186112833-C-G. GRCh37 (hg19) VCF-style: chr1-186081965-C-G.
Other names: short protein forms L3671V.
Identifiers: ClinVar variation 876753 (VCV000876753.10), dbSNP rs150618921, ClinGen allele CA1293908.
Genomic context (GRCh38, chr1:186,112,833, plus strand): 5'-GACATTTTAACGGCAAATTTCTTTACTTGCTGAATCCAGGCAACACCTCGAGTGCGAATC[C>G]TATCTGGAGGGAGATACTTGCAAATCAACAATGCTGACCTAGGTGATACAGCCAATTATA-3'
Protein context (NP_114141.2, residues 3661-3681): RLQATPRVRI[Leu3671Val]SGGRYLQINN